The following is an entry in ClinVar:

ClinVar aggregate classification (germline): Conflicting classifications of pathogenicity. Review status: criteria provided, conflicting classifications (1 of 4 stars). 2 submissions from 2 submitters: Uncertain significance (1); Likely benign (1). Last evaluated 2023-07-18.

Conditions:
Inborn genetic diseases. Identifiers: MedGen C0950123, MeSH D030342.

Allele frequency attached by ClinVar (database versions not stated): gnomAD exomes 0.00001; gnomAD 0.00008; TOPMed 0.00010.
gnomAD v4.1: 19 of 987,056 alleles (0.0019%); highest among the groups gnomAD compares: African/African-American, 0.024%; no homozygotes.

Submissions (2):

Genetic Services Laboratory, University of Chicago
Classification: Uncertain significance. Last evaluated: 2023-07-18. Review status: criteria provided, single submitter. Criteria: ACMG Guidelines, 2015. Collection method: clinical testing. Allele origin: germline. Affected: no.
Comment: DNA sequence analysis of the PKD1 gene demonstrated a sequence change, c.2213C>T, in exon 11 that results in an amino acid change, p.Pro738Leu. This sequence change has been described in the gnomAD database in three individuals corresponding to a population frequency of 0.0096% (dbSNP rs556791789). The p.Pro738Leu change affects a poorly conserved amino acid residue located in a domain of the PKD1 protein that is known to be functional. The p.Pro738Leu substitution appears to be benign using several in-silico pathogenicity prediction tools (SIFT, PolyPhen2, Align GVGD, REVEL). This sequence change does not appear to have been previously described in individuals with PKD1-related disorders. Due to insufficient evidence and the lack of functional studies, the clinical significance of the p.Pro738Leu change remains unknown at this time.

Ambry Genetics
Classification: Likely benign for Inborn genetic diseases. Last evaluated: 2021-08-17. Review status: criteria provided, single submitter. Criteria: Ambry Variant Classification Scheme 2023. Collection method: clinical testing. Allele origin: germline.

NM_001009944.3(PKD1):c.2213C>T (p.Pro738Leu)

Gene: PKD1 (polycystin 1, transient receptor potential channel interacting; minus strand). Cytogenetic location: 16p13.3.
Variant type: single nucleotide variant.
Coding change: c.2213C>T on transcript NM_001009944.3 (MANE Select); coding-DNA position 2213, C replaced by T.
Protein change: p.Pro738Leu; replaces proline 738 with leucine.
Molecular consequence: missense variant.
Genome position (GRCh38, 1-based): chr16:2,114,810, G>A on the plus strand (C>T on the coding strand, the complement: PKD1 is on the minus strand). VCF-style: chr16-2114810-G-A. GRCh37 (hg19) VCF-style: chr16-2164811-G-A.
Other names: c.2213C>T, p.Pro738Leu (NM_000296.4); short protein forms P738L.
Identifiers: ClinVar variation 2207356 (VCV002207356.4), dbSNP rs556791789, ClinGen allele CA276782857.